The following is an entry in ClinVar:

NM_007289.4(MME):c.1781-10T>C

Gene: MME (membrane metalloendopeptidase; plus strand). Cytogenetic location: 3q25.2.
Variant type: single nucleotide variant.
Coding change: c.1781-10T>C on transcript NM_007289.4 (MANE Select); 10 bases into the intron before coding-DNA position 1781, T replaced by C.
Molecular consequence: intron variant.
Genome position (GRCh38, 1-based): chr3:155,168,482, T>C. VCF-style: chr3-155168482-T-C. GRCh37 (hg19) VCF-style: chr3-154886271-T-C.
Other names: c.1781-10T>C (NM_001354643.1, NM_001354642.2, NM_000902.5 and 2 more transcripts).
Identifiers: ClinVar variation 2990375 (VCV002990375.5), dbSNP rs764583986, ClinGen allele CA2675634.

ClinVar aggregate classification (germline): Likely benign. Review status: criteria provided, multiple submitters, no conflicts (2 of 4 stars). 2 submissions from 2 submitters: Likely benign (2). Last evaluated 2024-11-29.

Allele frequency attached by ClinVar (database versions not stated): gnomAD 0.00001; gnomAD exomes 0.00001; ExAC 0.00003; TOPMed 0.00004.
gnomAD v4.1: 14 of 1,606,586 alleles (0.00087%); highest among the groups gnomAD compares: East Asian, 0.02%; no homozygotes.

Submissions (2):

Women's Health and Genetics/Laboratory Corporation of America, LabCorp
Classification: Likely benign. Last evaluated: 2024-11-29. Review status: criteria provided, single submitter. Criteria: LabCorp Variant Classification Summary - May 2015. Collection method: clinical testing. Allele origin: germline.
Comment: Variant summary: MME c.1781-10T>C alters a non-conserved nucleotide located at a position not widely known to affect splicing. Consensus agreement among computation tools predict no significant impact on normal splicing. However, these predictions have yet to be confirmed by functional studies. The variant allele was found at a frequency of 2e-05 in 246094 control chromosomes. The available data on variant occurrences in the general population are insufficient to allow any conclusion about variant significance. To our knowledge, no occurrence of c.1781-10T>C in individuals affected with Charcot-Marie-Tooth disease, axonal, type 2T-AR and no experimental evidence demonstrating its impact on protein function have been reported. ClinVar contains an entry for this variant (Variation ID: 2990375). Based on the evidence outlined above, the variant was classified as likely benign.

Labcorp Genetics (formerly Invitae), Labcorp
Classification: Likely benign. Last evaluated: 2023-02-22. Review status: criteria provided, single submitter. Criteria: Invitae Variant Classification Sherloc (09022015). Collection method: clinical testing. Allele origin: germline.